The following is an entry in ClinVar:

NM_153676.4(USH1C):c.2000C>T (p.Pro667Leu)

Gene: USH1C (USH1 protein network component harmonin; minus strand). Cytogenetic location: 11p15.1.
Variant type: single nucleotide variant.
Coding change: c.2000C>T on transcript NM_153676.4 (MANE Select); coding-DNA position 2000, C replaced by T.
Protein change: p.Pro667Leu; replaces proline 667 with leucine.
Molecular consequence: missense variant. On other transcripts: intron variant (2).
Genome position (GRCh38, 1-based): chr11:17,509,369, G>A on the plus strand (C>T on the coding strand, the complement: USH1C is on the minus strand). VCF-style: chr11-17509369-G-A. GRCh37 (hg19) VCF-style: chr11-17530916-G-A.
Other names: c.1228-7389C>T (NM_001297764.2); c.1285-7389C>T (NM_005709.4); short protein forms P667L.
Identifiers: ClinVar variation 667351 (VCV000667351.7), dbSNP rs1157049229, ClinGen allele CA379772393.
Genomic context (GRCh38, chr11:17,509,369, plus strand): 5'-CCCACTCTTCCTACTTCCAAACATAGCATGCAGAACAGGGACATTACCTTTGGGGTGGGT[G>A]GGAAGCTCTGTTCAGGGACAGGGGAGTTAGTGGGCTTCCCACTGTGGTTCTTTGCCTCCC-3'
Protein context (NP_710142.1, residues 657-677): TNSPVPEQSF[Pro667Leu]PTPKTFCPSP

ClinVar aggregate classification (germline): Uncertain significance. Review status: criteria provided, multiple submitters, no conflicts (2 of 4 stars). 2 submissions from 2 submitters: Uncertain significance (2). Last evaluated 2026-04-01.

Allele frequency attached by ClinVar (database versions not stated): gnomAD exomes 0.00001; TOPMed 0.00002; gnomAD 0.00001.
gnomAD v4.1: 6 of 1,580,662 alleles (0.00038%); highest among the groups gnomAD compares: Admixed American, 0.01%; no homozygotes.

Submissions (2):

GeneDx
Classification: Uncertain significance. Last evaluated: 2026-04-01. Review status: criteria provided, single submitter. Criteria: GeneDx Variant Classification Process June 2021. Collection method: clinical testing. Allele origin: germline.
Comment: Not observed at significant frequency in large population cohorts (gnomAD); In silico analysis suggests that this variant does not alter protein structure/function; Has not been previously published as pathogenic or benign to our knowledge; Reported using an alternate transcript of the gene

Laboratory for Molecular Medicine, Mass General Brigham Personalized Medicine
Classification: Uncertain significance. Last evaluated: 2018-08-07. Review status: criteria provided, single submitter. Criteria: LMM Criteria. Collection method: clinical testing. Allele origin: germline. Observed: 1 variant allele.
Comment: The p.Pro667Leu variant in USH1C has not been previously reported in individuals with hearing loss or Usher syndrome but has been identified in 2/32140 Latino c hromosomes by the Genome Aggregation Database (gnomAD). Computational prediction tools and conservation analysis suggest that the p.Pro667Leu variant may not impact the protein, though this information is n ot predictive enough to rule out pathogenicity. In summary, the clinical signifi cance of the p.Pro667Leu variant is uncertain. ACMG/AMP Criteria applied: PM2, B P4.